The following is an entry in ClinVar:

ClinVar aggregate classification (germline): Pathogenic (1 of 4 stars; one submission).

Conditions:
Familial adenomatous polyposis 1 (FAP1). Also called: POLYPOSIS, ADENOMATOUS INTESTINAL; FAMILIAL ADENOMATOUS POLYPOSIS 1, ATTENUATED. Identifiers: MedGen C2713442, MONDO:0021056, OMIM 175100. Disease mechanism: loss of function.

Submission:

Labcorp Genetics (formerly Invitae), Labcorp
Classification: Pathogenic for Familial adenomatous polyposis 1. Last evaluated: 2022-09-29. Review status: criteria provided, single submitter. Criteria: Invitae Variant Classification Sherloc (09022015). Collection method: clinical testing. Allele origin: germline.
Comment: A different truncation (p.Tyr2645Lysfs*14) that lies downstream of this variant has been determined to be pathogenic (PMID: 9824584, 1316610, 27081525, 8381579, 22135120, Invitae). This suggests that deletion of this region of the APC protein is causative of disease. This sequence change creates a premature translational stop signal (p.Met1431Cysfs*42) in the APC gene. While this is not anticipated to result in nonsense mediated decay, it is expected to disrupt the last 1413 amino acid(s) of the APC protein. This variant is not present in population databases (gnomAD no frequency). This variant has not been reported in the literature in individuals affected with APC-related conditions. ClinVar contains an entry for this variant (Variation ID: 469960). This variant is expected to disrupt the EB1 and HDLG binding sites, which mediate interactions with the cytoskeleton (PMID: 15311282, 17293347). While functional studies have not been performed to directly test the effect on APC protein function, this suggests that disruption of the C-terminal portion of the protein is functionally important. For these reasons, this variant has been classified as Pathogenic.

Literature cited by the submitters: PubMed 9824584; PubMed 1316610; PubMed 27081525; PubMed 8381579; PubMed 22135120; PubMed 15311282; PubMed 17293347.

NM_000038.6(APC):c.4290del (p.Met1431fs)

Gene: APC (APC regulator of Wnt signaling pathway; plus strand). Cytogenetic location: 5q22.2.
Variant type: Deletion.
Coding change: c.4290del on transcript NM_000038.6 (MANE Select); coding-DNA position 4290, one base deleted (C; older notation c.4290delC).
Protein change: p.Met1431fs; shifts the reading frame from methionine 1431.
Molecular consequence: frameshift variant.
Genome position (GRCh38, 1-based): chr5:112,839,884, C deleted; the last of 2 consecutive C bases (chr5:112,839,883-112,839,884); deleting either gives the same sequence. VCF-style (leftmost placement, unchanged base first): chr5-112839882-AC-A. GRCh37 (hg19) VCF-style: chr5-112175579-AC-A.
Other names: c.4290del, p.Met1431fs (NM_001127510.3, NM_001354895.2); c.4236del, p.Met1413fs (NM_001127511.3); c.4344del, p.Met1449fs (NM_001354896.2); c.4320del, p.Met1441fs (NM_001354897.2); c.4215del, p.Met1406fs (NM_001354898.2); c.4206del, p.Met1403fs (NM_001354899.2); c.4167del, p.Met1390fs (NM_001354900.2); c.4113del, p.Met1372fs (NM_001354901.2); and 5 more; short protein forms M1271fs, M1372fs, M1403fs, M1330fs, M1406fs, M1449fs, M1148fs, M1413fs.
Identifiers: ClinVar variation 469960 (VCV000469960.10), dbSNP rs1554085714, ClinGen allele CA445964441.